The following is an entry in ClinVar:

ClinVar aggregate classification (germline): Uncertain significance (1 of 4 stars; one submission).

Submission:

Labcorp Genetics (formerly Invitae), Labcorp
Classification: Uncertain significance. Last evaluated: 2024-09-24. Review status: criteria provided, single submitter. Criteria: Invitae Variant Classification Sherloc (09022015). Collection method: clinical testing. Allele origin: germline.
Comment: This sequence change replaces alanine, which is neutral and non-polar, with threonine, which is neutral and polar, at codon 18 of the FGFRL1 protein (p.Ala18Thr). The frequency data for this variant in the population databases is considered unreliable, as metrics indicate poor data quality at this position in the gnomAD database. This variant has not been reported in the literature in individuals affected with FGFRL1-related conditions. Experimental studies and prediction algorithms are not available or were not evaluated, and the functional significance of this variant is currently unknown. In summary, the available evidence is currently insufficient to determine the role of this variant in disease. Therefore, it has been classified as a Variant of Uncertain Significance.

NM_001004356.3(FGFRL1):c.52G>A (p.Ala18Thr)

Gene: FGFRL1 (fibroblast growth factor receptor like 1; plus strand). Cytogenetic location: 4p16.3.
Variant type: single nucleotide variant.
Coding change: c.52G>A on transcript NM_001004356.3 (MANE Select); coding-DNA position 52, G replaced by A.
Protein change: p.Ala18Thr; replaces alanine 18 with threonine.
Molecular consequence: missense variant.
Genome position (GRCh38, 1-based): chr4:1,012,537, G>A. VCF-style: chr4-1012537-G-A. GRCh37 (hg19) VCF-style: chr4-1006325-G-A.
Other names: c.52G>A, p.Ala18Thr (NM_001004358.1, NM_001370296.1, NM_021923.3); short protein forms A18T.
Identifiers: ClinVar variation 3713277 (VCV003713277.2).